The following is an entry in ClinVar:

ClinVar aggregate classification (germline): Likely pathogenic (1 of 4 stars; one submission).

Conditions:
Amelogenesis imperfecta hypomaturation type 2A3. Also called: Amelogenesis imperfecta, type IIA3. Identifiers: Orphanet 88661, MedGen C2750771, MONDO:0013181, OMIM 613211. Disease mechanism: loss of function.

Submission:

Juno Genomics, Hangzhou Juno Genomics, Inc
Classification: Likely pathogenic for Amelogenesis imperfecta hypomaturation type 2A3. Review status: criteria provided, single submitter. Criteria: ACMG Guidelines, 2015. Collection method: clinical testing. Allele origin: germline.
Comment: Null variant in a gene where loss of function (LOF) is a known mechanism of disease.;Absent from controls (or at extremely low frequency if recessive) in Genome Aggregation Database.

NM_182758.4(WDR72):c.1700del (p.Pro567fs)

Gene: WDR72 (WD repeat domain 72; minus strand). Cytogenetic location: 15q21.3.
Variant type: Deletion.
Coding change: c.1700del on transcript NM_182758.4 (MANE Select); coding-DNA position 1700, one base deleted (C; older notation c.1700delC).
Protein change: p.Pro567fs; shifts the reading frame from proline 567.
Molecular consequence: frameshift variant. On other transcripts: non-coding transcript variant (1).
Genome position (GRCh38, 1-based): chr15:53,699,815, G deleted on the plus strand (C on the coding strand, the reverse complement: WDR72 is on the minus strand); the first of 3 consecutive G bases (chr15:53,699,815-53,699,817); deleting any one gives the same sequence. VCF-style (leftmost placement, unchanged base first): chr15-53699814-CG-C. GRCh37 (hg19) VCF-style: chr15-53992011-CG-C.
Other names: short protein forms P567fs.
Identifiers: ClinVar variation 5005435 (VCV005005435.2).